The following is an entry in ClinVar:

NM_001142864.4(PIEZO1):c.4103G>A (p.Arg1368Gln)

Gene: PIEZO1 (piezo type mechanosensitive ion channel component 1 (Er blood group); minus strand). Cytogenetic location: 16q24.3.
Variant type: single nucleotide variant.
Coding change: c.4103G>A on transcript NM_001142864.4 (MANE Select); coding-DNA position 4103, G replaced by A.
Protein change: p.Arg1368Gln; replaces arginine 1368 with glutamine.
Molecular consequence: missense variant.
Genome position (GRCh38, 1-based): chr16:88,725,475, C>T on the plus strand (G>A on the coding strand, the complement: PIEZO1 is on the minus strand). VCF-style: chr16-88725475-C-T. GRCh37 (hg19) VCF-style: chr16-88791883-C-T.
Other names: p.Arg1368Gln; c.2645G>A, p.Arg882Gln (NM_014745.1); c.4103G>A (NM_001142864.2); short protein forms R1368Q, R882Q.
Identifiers: ClinVar variation 1901610 (VCV001901610.7), dbSNP rs917988282, ClinGen allele CA286412880.

ClinVar aggregate classification (germline): Conflicting classifications of pathogenicity. Review status: criteria provided, conflicting classifications (1 of 4 stars). 3 submissions from 3 submitters: Uncertain significance (2); Benign (1). Last evaluated 2024-08-05.

Conditions:
Inborn genetic diseases. Identifiers: MedGen C0950123, MeSH D030342.

gnomAD v4.1: 51 of 1,520,102 alleles (0.0034%); highest among the groups gnomAD compares: East Asian, 0.027%; no homozygotes.

Submissions (3):

Mayo Clinic Laboratories, Mayo Clinic
Classification: Uncertain significance. Last evaluated: 2024-08-05. Review status: criteria provided, single submitter. Criteria: ACMG Guidelines, 2015. Collection method: clinical testing. Allele origin: germline. Observed: 1 variant allele.
Comment: BP4, PM2

Ambry Genetics
Classification: Uncertain significance for Inborn genetic diseases. Last evaluated: 2023-12-13. Review status: criteria provided, single submitter. Criteria: Ambry Variant Classification Scheme 2023. Collection method: clinical testing. Allele origin: germline.

Labcorp Genetics (formerly Invitae), Labcorp
Classification: Benign. Last evaluated: 2022-04-20. Review status: criteria provided, single submitter. Criteria: Invitae Variant Classification Sherloc (09022015). Collection method: clinical testing. Allele origin: germline.

Literature cited by the submitters: PubMed 36484990 (cited by Mayo Clinic Laboratories, Mayo Clinic).